The following is an entry in ClinVar:

NM_002474.3(MYH11):c.4091G>A (p.Arg1364His)

Genes: MYH11 (myosin heavy chain 11; minus strand), NDE1 (nudE neurodevelopment protein 1; plus strand). Cytogenetic location: 16p13.11.
Variant type: single nucleotide variant.
Coding change: c.4091G>A on transcript NM_002474.3 (MANE Select); coding-DNA position 4091, G replaced by A.
Protein change: p.Arg1364His; replaces arginine 1364 with histidine.
Molecular consequence: missense variant. On other transcripts: 3 prime UTR variant (2).
Genome position (GRCh38, 1-based): chr16:15,724,672, C>T on the plus strand (G>A on the coding strand, the complement: MYH11 is on the minus strand). VCF-style: chr16-15724672-C-T. GRCh37 (hg19) VCF-style: chr16-15818529-C-T.
Other names: c.4112G>A, p.Arg1371His (NM_001040113.2, NM_001040114.2); c.4091G>A, p.Arg1364His (NM_022844.3); c.*421C>T (NM_001143979.2, NM_017668.3); short protein forms R1364H, R1371H.
Identifiers: ClinVar variation 1737750 (VCV001737750.9), dbSNP rs747473469, ClinGen allele CA7921787.

ClinVar aggregate classification (germline): Uncertain significance. Review status: criteria provided, multiple submitters, no conflicts (2 of 4 stars). 5 submissions from 5 submitters: Uncertain significance (5). Last evaluated 2024-08-05.

Conditions:
Aortic aneurysm, familial thoracic 4 (AAT4). Also called: AORTIC ANEURYSM/AORTIC DISSECTION AND PATENT DUCTUS ARTERIOSUS. Identifiers: MedGen C1851504, MONDO:0007568, OMIM 132900.
Familial thoracic aortic aneurysm and aortic dissection (TAAD). Also called: Thoracic aortic aneurysms and dissections. Identifiers: Orphanet 91387, MedGen C4707243, MONDO:0019625.

Allele frequency attached by ClinVar (database versions not stated): gnomAD 0.00001; gnomAD exomes 0.00001; TOPMed 0.00002; ExAC 0.00003.
gnomAD v4.1: 20 of 1,614,030 alleles (0.0012%); highest among the groups gnomAD compares: Admixed American, 0.012%; no homozygotes.

Submissions (5):

Blueprint Genetics
Classification: Uncertain significance. Last evaluated: 2024-08-05. Review status: criteria provided, single submitter. Criteria: ACMG Guidelines, 2015. Collection method: clinical testing. Allele origin: germline.

Ambry Genetics
Classification: Uncertain significance for Familial thoracic aortic aneurysm and aortic dissection. Last evaluated: 2024-07-30. Review status: criteria provided, single submitter. Criteria: Ambry Variant Classification Scheme 2023. Collection method: clinical testing. Allele origin: germline.
Comment: The p.R1364H variant (also known as c.4091G>A), located in coding exon 29 of the MYH11 gene, results from a G to A substitution at nucleotide position 4091. The arginine at codon 1364 is replaced by histidine, an amino acid with highly similar properties. This amino acid position is well conserved in available vertebrate species. In addition, the in silico prediction for this alteration is inconclusive. Since supporting evidence is limited at this time, the clinical significance of this alteration remains unclear.

Color Diagnostics, LLC DBA Color Health
Classification: Uncertain significance for Familial thoracic aortic aneurysm and aortic dissection. Last evaluated: 2024-03-07. Review status: criteria provided, single submitter. Criteria: ACMG Guidelines, 2015. Collection method: clinical testing. Allele origin: germline.
Comment: This missense variant replaces arginine with histidine at codon 1371 of the MYH11 protein. Computational prediction is inconclusive regarding the impact of this variant on protein structure and function (internally defined REVEL score threshold 0.5 < inconclusive < 0.7, PMID: 27666373). To our knowledge, functional studies have not been reported for this variant. This variant has not been reported in individuals affected with cardiovascular disorders in the literature. This variant has been identified in 7/250956 chromosomes in the general population by the Genome Aggregation Database (gnomAD). The available evidence is insufficient to determine the role of this variant in disease conclusively. Therefore, this variant is classified as a Variant of Uncertain Significance.

Labcorp Genetics (formerly Invitae), Labcorp
Classification: Uncertain significance for Aortic aneurysm, familial thoracic 4. Last evaluated: 2024-01-25. Review status: criteria provided, single submitter. Criteria: Invitae Variant Classification Sherloc (09022015). Collection method: clinical testing. Allele origin: germline.
Comment: This sequence change replaces arginine, which is basic and polar, with histidine, which is basic and polar, at codon 1371 of the MYH11 protein (p.Arg1371His). This variant is present in population databases (rs747473469, gnomAD 0.01%). This variant has not been reported in the literature in individuals affected with MYH11-related conditions. ClinVar contains an entry for this variant (Variation ID: 1737750). Advanced modeling of protein sequence and biophysical properties (such as structural, functional, and spatial information, amino acid conservation, physicochemical variation, residue mobility, and thermodynamic stability) performed at Invitae indicates that this missense variant is not expected to disrupt MYH11 protein function with a negative predictive value of 95%. In summary, the available evidence is currently insufficient to determine the role of this variant in disease. Therefore, it has been classified as a Variant of Uncertain Significance.

All of Us Research Program, National Institutes of Health
Classification: Uncertain significance for Familial thoracic aortic aneurysm and aortic dissection. Last evaluated: 2024-01-11. Review status: criteria provided, single submitter. Criteria: ACMG Guidelines, 2015. Collection method: clinical testing. Allele origin: germline. Inheritance: Autosomal dominant inheritance. Observed: 1 variant allele, 1 heterozygote.
Comment: This missense variant replaces arginine with histidine at codon 1371 of the MYH11 protein. Computational prediction is inconclusive regarding the impact of this variant on protein structure and function (internally defined REVEL score threshold 0.5 < inconclusive < 0.7, PMID: 27666373). To our knowledge, functional studies have not been reported for this variant. This variant has not been reported in individuals affected with cardiovascular disorders in the literature. This variant has been identified in 7/250956 chromosomes in the general population by the Genome Aggregation Database (gnomAD). The available evidence is insufficient to determine the role of this variant in disease conclusively. Therefore, this variant is classified as a Variant of Uncertain Significance.

This study involves interpretation of variants in research participants for the purpose of population health screening. Participant phenotype was not available at the time of variant classification. Additional details can be found in publication PMID: 35346344, PMCID: PMC8962531